The following is an entry in ClinVar:

NM_001931.5(DLAT):c.142G>C (p.Val48Leu)

Gene: DLAT (dihydrolipoamide S-acetyltransferase; plus strand). Cytogenetic location: 11q23.1.
Variant type: single nucleotide variant.
Coding change: c.142G>C on transcript NM_001931.5 (MANE Select); coding-DNA position 142, G replaced by C.
Protein change: p.Val48Leu; replaces valine 48 with leucine.
Molecular consequence: missense variant. On other transcripts: 5 prime UTR variant (1), non-coding transcript variant (1).
Genome position (GRCh38, 1-based): chr11:112,025,614, G>C. VCF-style: chr11-112025614-G-C. GRCh37 (hg19) VCF-style: chr11-111896338-G-C.
Other names: c.142G>C, p.Val48Leu (NM_001372031.1, NM_001372032.1, NM_001372033.1 and 6 more transcripts); c.101G>C, p.Arg34Pro (NM_001372036.1, NM_001372037.1); c.-325G>C (NM_001372042.1); short protein forms R34P, V48L.
Identifiers: ClinVar variation 4800509 (VCV004800509.1).

ClinVar aggregate classification (germline): Uncertain significance (1 of 4 stars; one submission).

Conditions:
Pyruvate dehydrogenase E2 deficiency (PDHDD). Also called: Dihydrolipoamide Acetyltransferase (E2) Deficiency; LACTIC ACIDEMIA DUE TO DEFECT OF E2 LIPOYL TRANSACETYLASE OF THE PYRUVATE DEHYDROGENASE COMPLEX. Identifiers: Orphanet 765, Orphanet 79244, MedGen C1855565, MONDO:0009502, OMIM 245348.

Submission:

Labcorp Genetics (formerly Invitae), Labcorp
Classification: Uncertain significance for Pyruvate dehydrogenase E2 deficiency. Last evaluated: 2025-12-24. Review status: criteria provided, single submitter. Criteria: Invitae Variant Classification Sherloc (09022015). Collection method: clinical testing. Allele origin: germline.
Comment: This sequence change replaces valine, which is neutral and non-polar, with leucine, which is neutral and non-polar, at codon 48 of the DLAT protein (p.Val48Leu). This variant is not present in population databases (gnomAD no frequency). This variant has not been reported in the literature in individuals affected with DLAT-related conditions. Invitae Evidence Modeling of protein sequence and biophysical properties (such as structural, functional, and spatial information, amino acid conservation, physicochemical variation, residue mobility, and thermodynamic stability) indicates that this missense variant is not expected to disrupt DLAT protein function with a negative predictive value of 95%. In summary, the available evidence is currently insufficient to determine the role of this variant in disease. Therefore, it has been classified as a Variant of Uncertain Significance.